The following is an entry in ClinVar:

NM_001386298.1(CIC):c.4243T>C (p.Cys1415Arg)

Gene: CIC (capicua transcriptional repressor; plus strand). Cytogenetic location: 19q13.2.
Variant type: single nucleotide variant.
Coding change: c.4243T>C on transcript NM_001386298.1 (MANE Select); coding-DNA position 4243, T replaced by C.
Protein change: p.Cys1415Arg; replaces cysteine 1415 with arginine.
Molecular consequence: missense variant.
Genome position (GRCh38, 1-based): chr19:42,290,284, T>C. VCF-style: chr19-42290284-T-C. GRCh37 (hg19) VCF-style: chr19-42794436-T-C.
Other names: c.4243T>C, p.Cys1415Arg (NM_001304815.2, NM_001379480.1, NM_001379482.1); c.1516T>C, p.Cys506Arg (NM_001379484.1, NM_001379485.1, NM_015125.5); short protein forms C1415R, C506R.
Identifiers: ClinVar variation 1310246 (VCV001310246.3), dbSNP rs2147249717, ClinGen allele CA406103911.
Genomic context (GRCh38, chr19:42,290,284, plus strand): 5'-TTCATGCAGGGCTTTGGTCGGAAGGTGTTTTCACCTGTGATCCGTTCCTCCTTTACCCAC[T>C]GCCGCCCCCCACTGGACCCTGAGCCCCCAGGGCCCCCGGATCCTCCTGTAGCCTTTGGCA-3'
Protein context (NP_001373227.1, residues 1405-1425): SPVIRSSFTH[Cys1415Arg]RPPLDPEPPG

ClinVar aggregate classification (germline): Uncertain significance (1 of 4 stars; one submission).

Allele frequency attached by ClinVar (database versions not stated): gnomAD exomes below 0.00001.
gnomAD v4.1: 1 of 1,614,060 alleles (0.000062%); highest among the groups gnomAD compares: Non-Finnish European, 0.000085%; no homozygotes.

Submission:

GeneDx
Classification: Uncertain significance. Last evaluated: 2025-02-14. Review status: criteria provided, single submitter. Criteria: GeneDx Variant Classification Process June 2021. Collection method: clinical testing. Allele origin: germline. Affected: yes.
Comment: Not observed at significant frequency in large population cohorts (gnomAD); In silico analysis indicates that this missense variant does not alter protein structure/function; Has not been previously published as pathogenic or benign to our knowledge